The following is an entry in ClinVar:

NM_002497.4(NEK2):c.659G>C (p.Ser220Thr)

Gene: NEK2 (NIMA related kinase 2; minus strand). Cytogenetic location: 1q32.3.
Variant type: single nucleotide variant.
Coding change: c.659G>C on transcript NM_002497.4 (MANE Select); coding-DNA position 659, G replaced by C.
Protein change: p.Ser220Thr; replaces serine 220 with threonine.
Molecular consequence: missense variant.
Genome position (GRCh38, 1-based): chr1:211,670,387, C>G on the plus strand (G>C on the coding strand, the complement: NEK2 is on the minus strand). VCF-style: chr1-211670387-C-G. GRCh37 (hg19) VCF-style: chr1-211843729-C-G.
Other names: c.659G>C, p.Ser220Thr (NM_001204182.2, NM_001204183.2); short protein forms S220T.
Identifiers: ClinVar variation 3691655 (VCV003691655.2).

ClinVar aggregate classification (germline): Uncertain significance (1 of 4 stars; one submission).

Submission:

Labcorp Genetics (formerly Invitae), Labcorp
Classification: Uncertain significance. Last evaluated: 2024-10-31. Review status: criteria provided, single submitter. Criteria: Invitae Variant Classification Sherloc (09022015). Collection method: clinical testing. Allele origin: germline.
Comment: This sequence change replaces serine, which is neutral and polar, with threonine, which is neutral and polar, at codon 220 of the NEK2 protein (p.Ser220Thr). This variant is not present in population databases (gnomAD no frequency). This variant has not been reported in the literature in individuals affected with NEK2-related conditions. An algorithm developed to predict the effect of missense changes on protein structure and function (PolyPhen-2) suggests that this variant is likely to be tolerated. In summary, the available evidence is currently insufficient to determine the role of this variant in disease. Therefore, it has been classified as a Variant of Uncertain Significance.